The following is an entry in ClinVar:

ClinVar aggregate classification (germline): Pathogenic. Review status: criteria provided, multiple submitters, no conflicts (2 of 4 stars). 2 submissions from 2 submitters: Pathogenic (2). Last evaluated 2025-12-21.

Conditions:
Dilated cardiomyopathy 1HH (CMD1HH). Identifiers: Orphanet 154, MedGen C3151293, MONDO:0013479, OMIM 613881.
Myofibrillar myopathy 6. Identifiers: Orphanet 199340, MedGen C2751831, MONDO:0013061, OMIM 612954.
Cardiovascular phenotype. Identifiers: MedGen CN230736.

Submissions (2):

Labcorp Genetics (formerly Invitae), Labcorp
Classification: Pathogenic for Dilated cardiomyopathy 1HH; Myofibrillar myopathy 6. Last evaluated: 2025-12-21. Review status: criteria provided, single submitter. Criteria: Invitae Variant Classification Sherloc (09022015). Collection method: clinical testing. Allele origin: germline.
Comment: This sequence change creates a premature translational stop signal (p.Met10Argfs*199) in the BAG3 gene. It is expected to result in an absent or disrupted protein product. Loss-of-function variants in BAG3 are known to be pathogenic (PMID: 21353195, 25008357). This variant is not present in population databases (gnomAD no frequency). This variant has not been reported in the literature in individuals affected with BAG3-related conditions. ClinVar contains an entry for this variant (Variation ID: 1797440). For these reasons, this variant has been classified as Pathogenic.

Ambry Genetics
Classification: Pathogenic for Cardiovascular phenotype. Last evaluated: 2021-12-30. Review status: criteria provided, single submitter. Criteria: Ambry Variant Classification Scheme 2023. Collection method: clinical testing. Allele origin: germline.
Comment: The c.29_35delTGCAGGT variant, located in coding exon 1 of the BAG3 gene, results from a deletion of 7 nucleotides at nucleotide positions 29 to 35, causing a translational frameshift with a predicted alternate stop codon (p.M10Rfs*199). This variant is considered to be rare based on population cohorts in the Genome Aggregation Database (gnomAD). In addition, this alteration is expected to result in loss of function by premature protein truncation or nonsense-mediated mRNA decay. As such, this alteration is interpreted as a disease-causing mutation.

Literature cited by the submitters: PubMed 21353195 (cited by Labcorp Genetics (formerly Invitae), Labcorp); PubMed 25008357 (cited by Labcorp Genetics (formerly Invitae), Labcorp).

NM_004281.4(BAG3):c.29_35del (p.Met10fs)

Gene: BAG3 (BAG cochaperone 3; plus strand). Cytogenetic location: 10q26.11.
Variant type: Deletion.
Coding change: c.29_35del on transcript NM_004281.4 (MANE Select); coding-DNA positions 29 to 35, 7 bases deleted (TGCAGGT; older notation c.29_35delTGCAGGT).
Protein change: p.Met10fs; shifts the reading frame from methionine 10.
Molecular consequence: frameshift variant.
Genome position (GRCh38, 1-based): chr10:119,651,704-119,651,710, TGCAGGT deleted. VCF-style (leftmost placement, unchanged base first): chr10-119651703-ATGCAGGT-A. GRCh37 (hg19) VCF-style: chr10-121411215-ATGCAGGT-A.
Other names: short protein forms M10fs.
Identifiers: ClinVar variation 1797440 (VCV001797440.3), dbSNP rs2493979514, ClinGen allele CA2580082413.